The following is an entry in ClinVar:

ClinVar aggregate classification (germline): Likely pathogenic (1 of 4 stars; one submission).

Conditions:
Intellectual developmental disorder, autosomal recessive 57. Also called: Intellectual disability, autosomal recessive 57. Identifiers: MedGen C4310673, MONDO:0014962, OMIM 617188.

Submission:

Variantyx, Inc.
Classification: Likely pathogenic for Intellectual developmental disorder, autosomal recessive 57. Last evaluated: 2025-05-13. Review status: criteria provided, single submitter. Criteria: Variantyx Assertion Criteria 2022. Collection method: clinical testing. Allele origin: germline. Inheritance: Autosomal recessive inheritance. Affected: no.
Comment: This is a frameshift variant in the MBOAT7 gene (OMIM: 606048). Pathogenic variants in this gene have been associated with autosomal recessive intellectual developmental disorder 57. This variant introduces a premature termination codon in exon 2 out of 8 and is expected to result in loss of function, which is a known disease mechanism for MBOAT7 in this disorder (PMID: 30701556) (PVS1). This variant is absent from control populations (PM2). and it has not been reported in individuals with MBOAT7-related disorders in the databases available for review. Based on the current evidence, this variant is classified as likely pathogenic for autosomal recessive intellectual developmental disorder 57.

Literature cited by the submitters: PubMed 30701556.

NM_024298.5(MBOAT7):c.9del (p.Glu4fs)

Gene: MBOAT7 (membrane bound acylglycerophosphatidylinositol O-acyltransferase MBOAT7; minus strand). Cytogenetic location: 19q13.42.
Variant type: Deletion.
Coding change: c.9del on transcript NM_024298.5 (MANE Select); coding-DNA position 9, one base deleted (T; older notation c.9delT).
Protein change: p.Glu4fs; shifts the reading frame from glutamic acid 4.
Molecular consequence: frameshift variant. On other transcripts: 5 prime UTR variant (1), intron variant (1).
Genome position (GRCh38, 1-based): chr19:54,188,500, A deleted on the plus strand (T on the coding strand, the reverse complement: MBOAT7 is on the minus strand). VCF-style (leftmost placement, unchanged base first): chr19-54188499-CA-C. GRCh37 (hg19) VCF-style: chr19-54692353-CA-C.
Other names: c.9del, p.Glu4fs (NM_001146082.3); c.-84del (NM_001146083.3); c.-16-154del (NM_001146056.3); short protein forms E4fs.
Identifiers: ClinVar variation 4850788 (VCV004850788.1).